The following is an entry in ClinVar:

ClinVar aggregate classification (germline): Uncertain significance (1 of 4 stars; one submission).

Conditions:
Hereditary cancer-predisposing syndrome. Also called: Hereditary Cancer Syndrome; Neoplastic Syndromes, Hereditary; Tumor predisposition; Hereditary neoplastic syndrome. Identifiers: Orphanet 140162, MedGen C0027672, MeSH D009386, MONDO:0015356.

Submission:

Ambry Genetics
Classification: Uncertain significance for Hereditary cancer-predisposing syndrome. Last evaluated: 2016-11-14. Review status: criteria provided, single submitter. Criteria: Ambry Variant Classification Scheme 2023. Collection method: clinical testing. Allele origin: germline.
Comment: The p.Y144* variant (also known as c.432T>A), located in coding exon 4 of the SDHD gene, results from a T to A substitution at nucleotide position 432. This changes the amino acid from a tyrosine to a stop codon within coding exon 4. Premature stop codons are typically deleterious in nature, however, this stop codon occurs at the 3' terminus of SDHD, is not expected to trigger nonsense-mediated mRNA decay, and removes only the last 16 amino acids of the protein. The exact functional impact of these removed amino acids is unknown at this time; however, internal structural analysis suggests that this truncation, which occurs in an important functional domain, would cause significant destabilization of the SDHD protein. This variant was not reported in population based cohorts in the following databases: Database of Single Nucleotide Polymorphisms (dbSNP), NHLBI Exome Sequencing Project (ESP), and 1000 Genomes Project. In the ESP, this variant was not observed in 6412 samples (12824 alleles) with coverage at this position. To date, this alteration has been detected with an allele frequency of approximately 0.005% (greater than 20000 alleles tested) in our clinical cohort. Since supporting evidence is limited at this time, the clinical significance of this alteration remains unclear.

NM_003002.4(SDHD):c.432T>A (p.Tyr144Ter)

Gene: SDHD (succinate dehydrogenase complex subunit D; plus strand). Cytogenetic location: 11q23.1.
Variant type: single nucleotide variant.
Coding change: c.432T>A on transcript NM_003002.4 (MANE Select); coding-DNA position 432, T replaced by A.
Protein change: p.Tyr144Ter; replaces tyrosine 144 with a stop codon.
Molecular consequence: nonsense. On other transcripts: 3 prime UTR variant (2), non-coding transcript variant (1).
Genome position (GRCh38, 1-based): chr11:112,094,922, T>A. VCF-style: chr11-112094922-T-A. GRCh37 (hg19) VCF-style: chr11-111965646-T-A.
Other names: c.*29T>A (NM_001276503.2); c.315T>A, p.Tyr105Ter (NM_001276504.2); c.*130T>A (NM_001276506.2); short protein forms Y144*, Y105*.
Identifiers: ClinVar variation 480789 (VCV000480789.5), dbSNP rs1355803189, ClinGen allele CA382619390.